The following is an entry in ClinVar:

NM_022098.4(XPNPEP3):c.*3351C>T

Gene: XPNPEP3 (X-prolyl aminopeptidase 3; plus strand). Cytogenetic location: 22q13.2.
Variant type: single nucleotide variant.
Coding change: c.*3351C>T on transcript NM_022098.4 (MANE Select); 3351 bases downstream of the stop codon, C replaced by T.
Molecular consequence: 3 prime UTR variant.
Genome position (GRCh38, 1-based): chr22:40,929,786, C>T. VCF-style: chr22-40929786-C-T. GRCh37 (hg19) VCF-style: chr22-41325790-C-T.
Identifiers: ClinVar variation 341732 (VCV000341732.6), dbSNP rs9611437, ClinGen allele CA10651357.
Genomic context (GRCh38, chr22:40,929,786, plus strand): 5'-GACTTCTCATAGCAATGTTATGGGCTGTCTGATATATTCAGGATTTGTTGAGCAGATAAG[C>T]TGTGTGTGATCTTACTCATTCTCAGCCATGCCGCAGACATACCCATTTCCCTTTAGTAAT-3'

ClinVar aggregate classification (germline): Benign. Review status: criteria provided, multiple submitters, no conflicts (2 of 4 stars). 2 submissions from 2 submitters: Benign (2). Last evaluated 2018-01-12.

Conditions:
Nephronophthisis-like nephropathy 1 (NPHPL1). Identifiers: Orphanet 655, MedGen C3150419, MONDO:0013163, OMIM 613159.

Allele frequency attached by ClinVar (database versions not stated): 1000 Genomes Project 0.01418; 1000 Genomes Project 30x 0.01452; TOPMed 0.03194; gnomAD 0.03271 and 0.03348.

Submissions (2):

Illumina Laboratory Services, Illumina
Classification: Benign for Nephronophthisis-like nephropathy 1. Last evaluated: 2018-01-12. Review status: criteria provided, single submitter. Criteria: ICSL Variant Classification Criteria 13 December 2019. Collection method: clinical testing. Allele origin: germline.
Comment: This variant was observed in the ICSL laboratory as part of a predisposition screen in an ostensibly healthy population. It had not been previously curated by ICSL or reported in the Human Gene Mutation Database (HGMD: prior to June 1st, 2018), and was therefore a candidate for classification through an automated scoring system. Utilizing variant allele frequency, disease prevalence and penetrance estimates, and inheritance mode, an automated score was calculated to assess if this variant is too frequent to cause the disease. Based on the score and internal cut-off values, a variant classified as benign is not then subjected to further curation. The score for this variant resulted in a classification of benign for this disease.

Breakthrough Genomics
Classification: Benign. Review status: criteria provided, single submitter. Criteria: ACMG Guidelines, 2015. Collection method: not provided. Allele origin: germline. Inheritance: Autosomal recessive inheritance. Affected: yes.